The following is an entry in ClinVar:

NM_001875.5(CPS1):c.1723A>T (p.Lys575Ter)

Gene: CPS1 (carbamoyl-phosphate synthase 1; plus strand). Cytogenetic location: 2q34.
Variant type: single nucleotide variant.
Coding change: c.1723A>T on transcript NM_001875.5 (MANE Select); coding-DNA position 1723, A replaced by T.
Protein change: p.Lys575Ter; replaces lysine 575 with a stop codon.
Molecular consequence: nonsense. On other transcripts: non-coding transcript variant (2).
Genome position (GRCh38, 1-based): chr2:210,602,217, A>T. VCF-style: chr2-210602217-A-T. GRCh37 (hg19) VCF-style: chr2-211466941-A-T.
Other names: c.1723A>T, p.Lys575Ter (NM_001122633.3, NM_001369257.1); c.1756A>T, p.Lys586Ter (NM_001369256.1); short protein forms K575*, K586*.
Identifiers: ClinVar variation 4814946 (VCV004814946.1).

ClinVar aggregate classification (germline): Likely pathogenic (1 of 4 stars; one submission).

Conditions:
Congenital hyperammonemia, type I. Also called: Carbamoyl phosphate synthetase I deficiency disease; CPS I DEFICIENCY; Carbamoyl phosphate synthetase 1 deficiency; Hyperammonemia due to carbamoyl phosphate synthetase 1 deficiency; CPS 1 deficiency; Carbamyl phosphate synthetase (CPS) deficiency. Identifiers: Orphanet 147, MedGen C4082171, MONDO:0009376, OMIM 237300.

Submission:

Natera, Inc.
Classification: Likely pathogenic for Carbamoyl-phosphate synthase I deficiency. Last evaluated: 2025-11-13. Review status: criteria provided, single submitter. Criteria: Natera Variant Classification Schema (03/2026). Collection method: clinical testing. Allele origin: germline.
Comment: The c.1723A>T variant in CPS1 is a nonsense variant predicted to introduce a stop codon at amino acid 575. This variant is expected to result in nonsense mediated decay, truncation, or a dysfunctional protein product. This variant is rare in the general population with a frequency below the threshold expected for the associated phenotype(s). Given the available evidence, this variant is classified as Likely Pathogenic.